The following is an entry in ClinVar:

NM_000719.7(CACNA1C):c.1086G>A (p.Met362Ile)

Gene: CACNA1C (calcium voltage-gated channel subunit alpha1 C; plus strand). Cytogenetic location: 12p13.33.
Variant type: single nucleotide variant.
Coding change: c.1086G>A on transcript NM_000719.7 (MANE Select); coding-DNA position 1086, G replaced by A.
Protein change: p.Met362Ile; replaces methionine 362 with isoleucine.
Molecular consequence: missense variant.
Genome position (GRCh38, 1-based): chr12:2,493,359, G>A. VCF-style: chr12-2493359-G-A. GRCh37 (hg19) VCF-style: chr12-2602525-G-A.
Other names: c.1086G>A, p.Met362Ile (NM_001129827.2, NM_001129829.2, NM_001129830.3 and 18 more transcripts); c.1077G>A, p.Met359Ile (NM_001129844.2); short protein forms M359I, M362I.
Identifiers: ClinVar variation 3384316 (VCV003384316.1).
Genomic context (GRCh38, chr12:2,493,359, plus strand): 5'-CATCACCAACTTTGACAACTTTGCCTTCGCCATGCTCACGGTGTTCCAGTGCATCACCAT[G>A]GAGGGCTGGACGGACGTGCTGTACTGGGTACGTAGCATGAGTGGGCAGTCAGAGGGTGGG-3'
Protein context (NP_000710.5, residues 352-372): AMLTVFQCIT[Met362Ile]EGWTDVLYWV

ClinVar aggregate classification (germline): Uncertain significance (1 of 4 stars; one submission).

Submission:

GeneDx
Classification: Uncertain significance. Last evaluated: 2024-06-07. Review status: criteria provided, single submitter. Criteria: GeneDx Variant Classification Process June 2021. Collection method: clinical testing. Allele origin: germline. Affected: yes.
Comment: Not observed at significant frequency in large population cohorts (gnomAD); In silico analysis supports that this missense variant has a deleterious effect on protein structure/function; Has not been previously published as pathogenic or benign to our knowledge